The following is an entry in ClinVar:

NM_015046.7(SETX):c.5415A>G (p.Pro1805=)

Gene: SETX (senataxin; minus strand). Cytogenetic location: 9q34.13.
Variant type: single nucleotide variant.
Coding change: c.5415A>G on transcript NM_015046.7 (MANE Select); coding-DNA position 5415, A replaced by G.
Protein change: p.Pro1805=; no amino-acid change (proline 1805 retained).
Molecular consequence: synonymous variant.
Genome position (GRCh38, 1-based): chr9:132,300,763, T>C on the plus strand (A>G on the coding strand, the complement: SETX is on the minus strand). VCF-style: chr9-132300763-T-C. GRCh37 (hg19) VCF-style: chr9-135176150-T-C.
Other names: c.5415A>G, p.Pro1805= (NM_001351527.2, NM_001351528.2).
Identifiers: ClinVar variation 3772041 (VCV003772041.13).
Genomic context (GRCh38, chr9:132,300,763, plus strand): 5'-TGTATCTTTCTTCTCTTCATTTATTCTCTCAGGAGCTAAAAACACCAAATCGTTTTCCTT[T>C]GGATAAAGCTGTTTAGCCAGTTCACATTCTTCCAGATAAACTATGAAACAAGAAGAAGTC-3'
Protein context (NP_055861.3, residues 1795-1815): EECELAKQLY[Pro1805=]KENDLVFLAP

ClinVar aggregate classification (germline): Likely benign (1 of 4 stars; one submission).

gnomAD v4.1: 1 of 1,613,548 alleles (0.000062%); highest among the groups gnomAD compares: Non-Finnish European, 0.000085%; no homozygotes.

Submission:

CeGaT Center for Human Genetics Tuebingen
Classification: Likely benign. Last evaluated: 2024-12-01. Review status: criteria provided, single submitter. Criteria: CeGaT Center For Human Genetics Tuebingen Variant Classification Criteria Version 2. Collection method: clinical testing. Allele origin: germline. Affected: yes. Observed: 1 variant allele.
Comment: SETX: BP4, BP7